The following is an entry in ClinVar:

ClinVar aggregate classification (germline): Conflicting classifications of pathogenicity. Review status: criteria provided, conflicting classifications (1 of 4 stars). 3 submissions from 3 submitters: Likely pathogenic (1); Uncertain significance (2). Last evaluated 2026-04-15.

Conditions:
BODY MASS INDEX QUANTITATIVE TRAIT LOCUS 20 (BMIQ20). Also called: MELANOCORTIN 4 RECEPTOR DEFICIENCY; MC4R DEFICIENCY. Identifiers: MedGen C4759928, OMIM 618406.
Early onset severe obesity. Identifiers: MedGen C4013980.

Allele frequency attached by ClinVar (database versions not stated): ExAC 0.00004; gnomAD 0.00007; TOPMed 0.00008; gnomAD exomes 0.00011.

Submissions (3):

Cambridge Genomics Laboratory, East Genomic Laboratory Hub, NHS Genomic Medicine Service
Classification: Likely pathogenic for Severe early-onset obesity. Last evaluated: 2026-04-15. Review status: criteria provided, single submitter. Criteria: ACGS Best Practice Guidelines for Variant Classification in Rare Disease 2020. Collection method: clinical testing. Allele origin: germline. Affected: yes.
Comment: PS2_Supporting,PS3_Moderate,PS4_Moderate,PP3

Labcorp Genetics (formerly Invitae), Labcorp
Classification: Uncertain significance. Last evaluated: 2023-10-03. Review status: criteria provided, single submitter. Criteria: Invitae Variant Classification Sherloc (09022015). Collection method: clinical testing. Allele origin: germline.
Comment: This sequence change replaces glycine, which is neutral and non-polar, with serine, which is neutral and polar, at codon 252 of the MC4R protein (p.Gly252Ser). This variant is present in population databases (rs13447336, gnomAD 0.009%). This missense change has been observed in individual(s) with obesity (PMID: 10199800, 15466016, 16492696, 16507637, 18559663, 18801902, 24611737, 25062455, 29031731, 32952152). ClinVar contains an entry for this variant (Variation ID: 1709503). Advanced modeling of protein sequence and biophysical properties (such as structural, functional, and spatial information, amino acid conservation, physicochemical variation, residue mobility, and thermodynamic stability) performed at Invitae indicates that this missense variant is not expected to disrupt MC4R protein function. Experimental studies have shown that this missense change affects MC4R function (PMID: 12499395, 16507637, 16752916, 17590021, 19400288, 20696697, 25332687, 30811542, 31002796). In summary, the available evidence is currently insufficient to determine the role of this variant in disease. Therefore, it has been classified as a Variant of Uncertain Significance.

MGZ Medical Genetics Center
Classification: Uncertain significance for BODY MASS INDEX QUANTITATIVE TRAIT LOCUS 20. Last evaluated: 2022-06-02. Review status: criteria provided, single submitter. Criteria: ACMG Guidelines, 2015. Collection method: clinical testing. Allele origin: germline. Affected: yes. Observed: 1 variant allele.
Comment: ACMG criteria applied: PM2_SUP, PP3

Literature cited by the submitters: PubMed 10199800 (cited by Labcorp Genetics (formerly Invitae), Labcorp); PubMed 15466016 (cited by Labcorp Genetics (formerly Invitae), Labcorp); PubMed 16492696 (cited by Labcorp Genetics (formerly Invitae), Labcorp); PubMed 16507637 (cited by Labcorp Genetics (formerly Invitae), Labcorp); PubMed 18559663 (cited by Labcorp Genetics (formerly Invitae), Labcorp); PubMed 18801902 (cited by Labcorp Genetics (formerly Invitae), Labcorp); PubMed 24611737 (cited by Labcorp Genetics (formerly Invitae), Labcorp); PubMed 25062455 (cited by Labcorp Genetics (formerly Invitae), Labcorp); PubMed 29031731 (cited by Labcorp Genetics (formerly Invitae), Labcorp); PubMed 32952152 (cited by Labcorp Genetics (formerly Invitae), Labcorp); PubMed 12499395 (cited by Labcorp Genetics (formerly Invitae), Labcorp); PubMed 16752916 (cited by Labcorp Genetics (formerly Invitae), Labcorp); PubMed 17590021 (cited by Labcorp Genetics (formerly Invitae), Labcorp); PubMed 19400288 (cited by Labcorp Genetics (formerly Invitae), Labcorp); PubMed 20696697 (cited by Labcorp Genetics (formerly Invitae), Labcorp); PubMed 25332687 (cited by Labcorp Genetics (formerly Invitae), Labcorp); PubMed 30811542 (cited by Labcorp Genetics (formerly Invitae), Labcorp); PubMed 31002796 (cited by Labcorp Genetics (formerly Invitae), Labcorp).

NM_005912.3(MC4R):c.754G>A (p.Gly252Ser)

Gene: MC4R (melanocortin 4 receptor; minus strand). Cytogenetic location: 18q21.32.
Variant type: single nucleotide variant.
Coding change: c.754G>A on transcript NM_005912.3 (MANE Select); coding-DNA position 754, G replaced by A.
Protein change: p.Gly252Ser; replaces glycine 252 with serine.
Molecular consequence: missense variant.
Genome position (GRCh38, 1-based): chr18:60,371,596, C>T on the plus strand (G>A on the coding strand, the complement: MC4R is on the minus strand). VCF-style: chr18-60371596-C-T. GRCh37 (hg19) VCF-style: chr18-58038829-C-T.
Other names: short protein forms G252S.
Identifiers: ClinVar variation 1709503 (VCV001709503.6), dbSNP rs13447336, ClinGen allele CA8980845.